The following is an entry in ClinVar:

ClinVar aggregate classification (germline): Likely benign (0 of 4 stars; one submission).

Conditions:
CDH18-related disorder. Also called: CDH18-related condition.

Allele frequency attached by ClinVar (database versions not stated): ESP Exome Variant Server 0.00015; TOPMed 0.00021; gnomAD 0.00027; ExAC 0.00030; 1000 Genomes Project 0.00080; 1000 Genomes Project 30x 0.00109.
gnomAD v4.1: 229 of 1,613,390 alleles (0.014%); highest among the groups gnomAD compares: East Asian, 0.26%; 2 homozygotes.

Submission:

PreventionGenetics, part of Exact Sciences
Classification: Likely benign for CDH18-related condition. Last evaluated: 2022-04-15. Review status: no assertion criteria provided. Collection method: clinical testing. Allele origin: germline.
Comment: This variant is classified as likely benign based on ACMG/AMP sequence variant interpretation guidelines (Richards et al. 2015 PMID: 25741868, with internal and published modifications).

NM_004934.5(CDH18):c.1417A>C (p.Thr473Pro)

Gene: CDH18 (cadherin 18; minus strand). Cytogenetic location: 5p14.3.
Variant type: single nucleotide variant.
Coding change: c.1417A>C on transcript NM_004934.5 (MANE Select); coding-DNA position 1417, A replaced by C.
Protein change: p.Thr473Pro; replaces threonine 473 with proline.
Molecular consequence: missense variant.
Genome position (GRCh38, 1-based): chr5:19,520,752, T>G on the plus strand (A>C on the coding strand, the complement: CDH18 is on the minus strand). VCF-style: chr5-19520752-T-G. GRCh37 (hg19) VCF-style: chr5-19520861-T-G.
Other names: c.1417A>C, p.Thr473Pro (NM_001167667.3, NM_001291956.3, NM_001291957.2 and 5 more transcripts); c.748A>C, p.Thr250Pro (NM_001349562.2, NM_001349563.2); short protein forms T250P, T473P.
Identifiers: ClinVar variation 3040449 (VCV003040449.2), dbSNP rs142033128, ClinGen allele CA3213124.